The following is an entry in ClinVar:

ClinVar aggregate classification (germline): Conflicting classifications of pathogenicity. Review status: criteria provided, conflicting classifications (1 of 4 stars). 4 submissions from 4 submitters: Uncertain significance (3); Likely benign (1). Last evaluated 2024-04-16.

Conditions:
Early-infantile DEE. Also called: Early infantile epileptic encephalopathy with suppression bursts; Ohtahara syndrome; Early infantile epileptic encephalopathy. Identifiers: Orphanet 1934, MedGen C0393706, MONDO:0800491.
Inborn genetic diseases. Identifiers: MedGen C0950123, MeSH D030342.

Allele frequency attached by ClinVar (database versions not stated): gnomAD exomes below 0.00001 and 0.00002; TOPMed below 0.00001; gnomAD 0.00001.
gnomAD v4.1: 5 of 1,534,578 alleles (0.00033%); highest among the groups gnomAD compares: Middle Eastern, 0.018%; no homozygotes.

Submissions (4):

Labcorp Genetics (formerly Invitae), Labcorp
Classification: Uncertain significance for Early-infantile DEE. Last evaluated: 2024-04-16. Review status: criteria provided, single submitter. Criteria: Invitae Variant Classification Sherloc (09022015). Collection method: clinical testing. Allele origin: germline.
Comment: This sequence change replaces glycine, which is neutral and non-polar, with serine, which is neutral and polar, at codon 30 of the KCNQ2 protein (p.Gly30Ser). The frequency data for this variant in the population databases is considered unreliable, as metrics indicate poor data quality at this position in the gnomAD database. This variant has not been reported in the literature in individuals affected with KCNQ2-related conditions. ClinVar contains an entry for this variant (Variation ID: 1700699). Advanced modeling of protein sequence and biophysical properties (such as structural, functional, and spatial information, amino acid conservation, physicochemical variation, residue mobility, and thermodynamic stability) performed at Invitae indicates that this missense variant is expected to disrupt KCNQ2 protein function with a positive predictive value of 95%. In summary, the available evidence is currently insufficient to determine the role of this variant in disease. Therefore, it has been classified as a Variant of Uncertain Significance.

Centre of Medical Genetics, University Hospital Muenster
Classification: Uncertain significance. Last evaluated: 2022-06-20. Review status: criteria provided, single submitter. Criteria: ACMG Guidelines, 2015. Collection method: clinical testing. Allele origin: unknown. Affected: yes. Observed: 1 variant allele, 1 heterozygote.
Comment: ACMG categories: PM2,PP3,BP1

CeGaT Center for Human Genetics Tuebingen
Classification: Likely benign. Last evaluated: 2022-04-01. Review status: criteria provided, single submitter. Criteria: CeGaT Center For Human Genetics Tuebingen Variant Classification Criteria Version 2. Collection method: clinical testing. Allele origin: germline. Affected: yes. Observed: 1 variant allele.
Comment: KCNQ2: PP2, PP3, BS2

Ambry Genetics
Classification: Uncertain significance for Inborn genetic diseases. Last evaluated: 2019-06-21. Review status: criteria provided, single submitter. Criteria: Ambry Variant Classification Scheme 2023. Collection method: clinical testing. Allele origin: germline.
Comment: The p.G30S variant (also known as c.88G>A), located in coding exon 1 of the KCNQ2 gene, results from a G to A substitution at nucleotide position 88. The glycine at codon 30 is replaced by serine, an amino acid with similar properties. This amino acid position is highly conserved in available vertebrate species. In addition, the in silico prediction for this alteration is inconclusive. Since supporting evidence is limited at this time, the clinical significance of this alteration remains unclear.

NM_172107.4(KCNQ2):c.88G>A (p.Gly30Ser)

Gene: KCNQ2 (potassium voltage-gated channel subfamily Q member 2; minus strand). Cytogenetic location: 20q13.33.
Variant type: single nucleotide variant.
Coding change: c.88G>A on transcript NM_172107.4 (MANE Select); coding-DNA position 88, G replaced by A.
Protein change: p.Gly30Ser; replaces glycine 30 with serine.
Molecular consequence: missense variant.
Genome position (GRCh38, 1-based): chr20:63,472,376, C>T on the plus strand (G>A on the coding strand, the complement: KCNQ2 is on the minus strand). VCF-style: chr20-63472376-C-T. GRCh37 (hg19) VCF-style: chr20-62103729-C-T.
Other names: c.88G>A, p.Gly30Ser (NM_172108.5, NM_172109.3, NM_001382235.1 and 2 more transcripts); short protein forms G30S.
Identifiers: ClinVar variation 1700699 (VCV001700699.32), dbSNP rs915805727, ClinGen allele CA317423903.